The following is an entry in ClinVar:

ClinVar aggregate classification (germline): Uncertain significance. Review status: criteria provided, multiple submitters, no conflicts (2 of 4 stars). 3 submissions from 3 submitters: Uncertain significance (2). 1 of the submissions does not count toward it. Last evaluated 2024-09-09.

Conditions:
Metaphyseal chondrodysplasia, McKusick type (CHH). Also called: Cartilage-Hair Hypoplasia (CHH); Cartilage-hair hypoplasia. Identifiers: Orphanet 175, MedGen C0220748, MONDO:0009595, OMIM 250250.
Anauxetic dysplasia. Identifiers: Orphanet 93347, MedGen C1846796, MONDO:0011773.

Allele frequency attached by ClinVar (database versions not stated): gnomAD exomes below 0.00001 and 0.00001; gnomAD 0.00002; TOPMed 0.00002.
gnomAD v4.1: 6 of 684,520 alleles (0.00088%); highest among the groups gnomAD compares: Admixed American, 0.002%; no homozygotes.

Submissions (3):

Women's Health and Genetics/Laboratory Corporation of America, LabCorp
Classification: Uncertain significance. Last evaluated: 2024-09-09. Review status: criteria provided, single submitter. Criteria: LabCorp Variant Classification Summary - May 2015. Collection method: clinical testing. Allele origin: germline.
Comment: Variant summary: RMRP n.264G>A alters a nucleotide in the non-coding RNA. The variant allele was found at a frequency of 8.1e-06 in 123336 control chromosomes. The available data on variant occurrences in the general population are insufficient to allow any conclusion about variant significance. To our knowledge, no occurrence of n.264G>A in individuals affected with Cartilage-Hair Hypoplasia and no experimental evidence demonstrating its impact on protein function have been reported. ClinVar contains an entry for this variant (Variation ID: 465209). Based on the evidence outlined above, the variant was classified as uncertain significance.

Labcorp Genetics (formerly Invitae), Labcorp
Classification: Uncertain significance for Anauxetic dysplasia. Last evaluated: 2022-08-02. Review status: criteria provided, single submitter. Criteria: Invitae Variant Classification Sherloc (09022015). Collection method: clinical testing. Allele origin: germline.
Comment: This variant occurs in the RMRP gene, which encodes an RNA molecule that does not result in a protein product. The frequency data for this variant in the population databases is considered unreliable, as metrics indicate poor data quality at this position in the gnomAD database. This variant has not been reported in the literature in individuals affected with RMRP-related conditions. ClinVar contains an entry for this variant (Variation ID: 465209). In summary, the available evidence is currently insufficient to determine the role of this variant in disease. Therefore, it has been classified as a Variant of Uncertain Significance.

Natera, Inc.
Classification: Uncertain significance for Cartilage-hair hypoplasia. Last evaluated: 2019-11-11. Review status: no assertion criteria provided. Collection method: clinical testing. Allele origin: germline. Not counted in ClinVar's aggregate classification.

NR_003051.4(RMRP):n.265G>A

Gene: RMRP (RNA component of mitochondrial RNA processing endoribonuclease; minus strand). Cytogenetic location: 9p13.3.
Variant type: single nucleotide variant.
Genome position: GRCh38 VCF-style: chr9-35657755-C-T. GRCh37 (hg19) VCF-style: chr9-35657752-C-T.
Identifiers: ClinVar variation 465209 (VCV000465209.8), dbSNP rs578123788, ClinGen allele CA464450124.